The following is an entry in ClinVar:

ClinVar aggregate classification (germline): Likely benign (1 of 4 stars; one submission).

Conditions:
NCOA1-related disorder. Also called: NCOA1-related condition.

gnomAD v4.1: 4 of 1,605,502 alleles (0.00025%); highest among the groups gnomAD compares: Non-Finnish European, 0.00026%; no homozygotes.

Submission:

PreventionGenetics, part of Exact Sciences
Classification: Likely benign for NCOA1-related condition. Last evaluated: 2026-01-12. Review status: criteria provided, single submitter. Criteria: ACMG Guidelines, 2015. Collection method: clinical testing. Allele origin: germline.
Comment: This variant is classified as likely benign based on ACMG/AMP sequence variant interpretation guidelines (Richards et al. 2015 PMID: 25741868, with internal and published modifications).

NM_003743.5(NCOA1):c.168C>T (p.Asp56=)

Gene: NCOA1 (nuclear receptor coactivator 1; plus strand). Cytogenetic location: 2p23.3.
Variant type: single nucleotide variant.
Coding change: c.168C>T on transcript NM_003743.5 (MANE Select); coding-DNA position 168, C replaced by T.
Protein change: p.Asp56=; no amino-acid change (aspartic acid 56 retained).
Molecular consequence: synonymous variant.
Genome position (GRCh38, 1-based): chr2:24,665,827, C>T. VCF-style: chr2-24665827-C-T. GRCh37 (hg19) VCF-style: chr2-24888696-C-T.
Other names: c.168C>T, p.Asp56= (NM_001362950.1, NM_001362952.1, NM_001362954.1 and 3 more transcripts).
Identifiers: ClinVar variation 4992700 (VCV004992700.1).
Genomic context (GRCh38, chr2:24,665,827, plus strand): 5'-GGAGCAAGAAAATAAATATTTAGAAGAACTAGCTGAGTTACTGTCTGCCAACATTAGTGA[C>T]ATTGACAGCTTGAGTGTAAAACCAGACAAATGCAAGATTTTGAAGAAAACAGTCGATCAG-3'
Protein context (NP_003734.3, residues 46-66): LAELLSANIS[Asp56=]IDSLSVKPDK